The following is an entry in ClinVar:

NM_017763.6(RNF43):c.1267T>C (p.Ser423Pro)

Gene: RNF43 (ring finger protein 43; minus strand). Cytogenetic location: 17q22.
Variant type: single nucleotide variant.
Coding change: c.1267T>C on transcript NM_017763.6 (MANE Select); coding-DNA position 1267, T replaced by C.
Protein change: p.Ser423Pro; replaces serine 423 with proline.
Molecular consequence: missense variant.
Genome position (GRCh38, 1-based): chr17:58,358,509, A>G on the plus strand (T>C on the coding strand, the complement: RNF43 is on the minus strand). VCF-style: chr17-58358509-A-G. GRCh37 (hg19) VCF-style: chr17-56435870-A-G.
Other names: c.1267T>C, p.Ser423Pro (NM_001305544.3); c.886T>C, p.Ser296Pro (NM_001305545.2); short protein forms S296P, S423P.
Identifiers: ClinVar variation 2765537 (VCV002765537.3), dbSNP rs2143417948, ClinGen allele CA400330516.

ClinVar aggregate classification (germline): Uncertain significance (1 of 4 stars; one submission).

Submission:

Labcorp Genetics (formerly Invitae), Labcorp
Classification: Uncertain significance. Last evaluated: 2023-10-04. Review status: criteria provided, single submitter. Criteria: Invitae Variant Classification Sherloc (09022015). Collection method: clinical testing. Allele origin: germline.
Comment: This sequence change replaces serine, which is neutral and polar, with proline, which is neutral and non-polar, at codon 423 of the RNF43 protein (p.Ser423Pro). This variant is not present in population databases (gnomAD no frequency). This variant has not been reported in the literature in individuals affected with RNF43-related conditions. An algorithm developed to predict the effect of missense changes on protein structure and function (PolyPhen-2) suggests that this variant is likely to be tolerated. In summary, the available evidence is currently insufficient to determine the role of this variant in disease. Therefore, it has been classified as a Variant of Uncertain Significance.